The following is an entry in ClinVar:

NM_000038.6(APC):c.422+365C>A

Gene: APC (APC regulator of WNT signaling pathway; plus strand). Cytogenetic location: 5q22.2.
Variant type: single nucleotide variant.
Coding change: c.422+365C>A on transcript NM_000038.6 (MANE Select); 365 bases into the intron after coding-DNA position 422, C replaced by A.
Molecular consequence: intron variant.
Genome position (GRCh38, 1-based): chr5:112,767,755, C>A. VCF-style: chr5-112767755-C-A. GRCh37 (hg19) VCF-style: chr5-112103452-C-A.
Other names: c.422+365C>A (NM_001354895.2, NM_001127510.3, NM_001354896.2 and 2 more transcripts); c.452+365C>A (NM_001354897.2, NM_001354902.2, NM_001127511.3); c.347+365C>A (NM_001354898.2, NM_001354904.2); c.-614+365C>A (NM_001354906.2); c.245+365C>A (NM_001354900.2, NM_001354901.2, NM_001354905.2).
Identifiers: ClinVar variation 82877 (VCV000082877.2), dbSNP rs75602292, ClinGen allele CA009086.

ClinVar aggregate classification (germline): other (0 of 4 stars; one submission).

Conditions:
Familial colorectal cancer. Identifiers: MedGen CN280943, MONDO:0023113. Disease mechanism: loss of function.

Submission:

Systems Biology Platform Zhejiang California International NanoSystems Institute
Classification: other for Familial colorectal cancer. Review status: no assertion criteria provided. Collection method: not provided. Allele origin: unknown.
ClinVar note: Converted during submission from cancer to other.